The following is an entry in ClinVar:

NM_001366977.1(PNCK):c.276-42C>T

Gene: PNCK (pregnancy up-regulated nonubiquitous CaM kinase; minus strand). Cytogenetic location: Xq28.
Variant type: single nucleotide variant.
Coding change: c.276-42C>T on transcript NM_001366977.1 (MANE Select); 42 bases into the intron before coding-DNA position 276, C replaced by T.
Molecular consequence: intron variant.
Genome position (GRCh38, 1-based): chrX:153,672,060, G>A on the plus strand (C>T on the coding strand, the complement: PNCK is on the minus strand). VCF-style: chrX-153672060-G-A. GRCh37 (hg19) VCF-style: chrX-152937515-G-A.
Other names: c.276-42C>T (NM_001366975.1, NM_001366976.1, NM_001366978.1 and 2 more transcripts); c.525-42C>T (NM_001039582.3); c.327-42C>T (NM_001135740.2).
Identifiers: ClinVar variation 3351910 (VCV003351910.1).

ClinVar aggregate classification (germline): Likely benign (0 of 4 stars; one submission).

Conditions:
PNCK-related condition.

gnomAD v4.1: 24 of 1,201,910 alleles (0.002%); highest among the groups gnomAD compares: Non-Finnish European, 0.0027%; no homozygotes.

Submission:

PreventionGenetics, part of Exact Sciences
Classification: Likely benign for PNCK-related condition. Last evaluated: 2024-09-09. Review status: no assertion criteria provided. Collection method: clinical testing. Allele origin: germline.
Comment: This variant is classified as likely benign based on ACMG/AMP sequence variant interpretation guidelines (Richards et al. 2015 PMID: 25741868, with internal and published modifications).